The following is an entry in ClinVar:

ClinVar aggregate classification (germline): Conflicting classifications of pathogenicity. Review status: criteria provided, conflicting classifications (1 of 4 stars). 5 submissions from 5 submitters: Uncertain significance (1); Likely benign (3). 1 of the submissions does not count toward it. Last evaluated 2025-11-19.

Conditions:
Gorlin syndrome. Also called: Nevoid Basal Cell Carcinoma Syndrome; Basal cell nevus syndrome. Identifiers: Orphanet 377, MedGen C0004779, MONDO:0007187.
PTCH2-related disorder. Also called: PTCH2-related condition; PTCH2-related disease.
Basal cell carcinoma, susceptibility to, 1. Also called: BCC1. Identifiers: MedGen C2751544, MONDO:0011556, OMIM 605462.
Medulloblastoma (MDB). Also called: MEDULLOBLASTOMA PREDISPOSITION SYNDROME; Medulloblastoma, somatic. Identifiers: Orphanet 616, MedGen C0025149, MeSH D008527, MONDO:0007959, OMIM 155255, HP:0002885.

Allele frequency attached by ClinVar (database versions not stated): gnomAD exomes 0.00004 and 0.00008; ExAC 0.00009; gnomAD 0.00032 and 0.00037; TOPMed 0.00037; ESP Exome Variant Server 0.00038.
gnomAD v4.1: 103 of 1,613,884 alleles (0.0064%); highest among the groups gnomAD compares: African/African-American, 0.13%; no homozygotes.

Submissions (5):

Labcorp Genetics (formerly Invitae), Labcorp
Classification: Likely benign for Gorlin syndrome. Last evaluated: 2025-11-19. Review status: criteria provided, single submitter. Criteria: Invitae Variant Classification Sherloc (09022015). Collection method: clinical testing. Allele origin: germline.

Ambry Genetics
Classification: Uncertain significance. Last evaluated: 2025-01-03. Review status: criteria provided, single submitter. Criteria: Ambry Variant Classification Scheme 2023. Collection method: clinical testing. Allele origin: germline.

Fulgent Genetics
Classification: Likely benign for Basal cell nevus syndrome 1; Medulloblastoma; Basal cell carcinoma, susceptibility to, 1. Last evaluated: 2022-02-21. Review status: criteria provided, single submitter. Criteria: ACMG Guidelines, 2015. Collection method: clinical testing. Allele origin: unknown.

Mendelics
Classification: Likely benign for Basal cell nevus syndrome 1. Last evaluated: 2019-05-28. Review status: criteria provided, single submitter. Criteria: Mendelics Assertion Criteria 2017. Collection method: clinical testing. Allele origin: unknown.

PreventionGenetics, part of Exact Sciences
Classification: Likely benign for PTCH2-related condition. Last evaluated: 2020-09-08. Review status: no assertion criteria provided. Collection method: clinical testing. Allele origin: germline. Not counted in ClinVar's aggregate classification.
Comment: This variant is classified as likely benign based on ACMG/AMP sequence variant interpretation guidelines (Richards et al. 2015 PMID: 25741868, with internal and published modifications).

NM_003738.5(PTCH2):c.1780G>A (p.Ala594Thr)

Gene: PTCH2 (patched 2; minus strand). Cytogenetic location: 1p34.1.
Variant type: single nucleotide variant.
Coding change: c.1780G>A on transcript NM_003738.5 (MANE Select); coding-DNA position 1780, G replaced by A.
Protein change: p.Ala594Thr; replaces alanine 594 with threonine.
Molecular consequence: missense variant.
Genome position (GRCh38, 1-based): chr1:44,828,121, C>T on the plus strand (G>A on the coding strand, the complement: PTCH2 is on the minus strand). VCF-style: chr1-44828121-C-T. GRCh37 (hg19) VCF-style: chr1-45293793-C-T.
Other names: c.1780G>A, p.Ala594Thr (NM_001166292.2); short protein forms A594T.
Identifiers: ClinVar variation 700208 (VCV000700208.13), dbSNP rs147669300, ClinGen allele CA823166.